The following is an entry in ClinVar:

ClinVar aggregate classification (germline): Uncertain significance (1 of 4 stars; one submission).

Allele frequency attached by ClinVar (database versions not stated): gnomAD exomes 0.00003; gnomAD 0.00004; TOPMed 0.00004.
gnomAD v4.1: 44 of 1,611,860 alleles (0.0027%); highest among the groups gnomAD compares: African/African-American, 0.0093%; no homozygotes.

Submission:

Labcorp Genetics (formerly Invitae), Labcorp
Classification: Uncertain significance. Last evaluated: 2025-10-09. Review status: criteria provided, single submitter. Criteria: Invitae Variant Classification Sherloc (09022015). Collection method: clinical testing. Allele origin: germline.
Comment: This sequence change replaces arginine, which is basic and polar, with tryptophan, which is neutral and slightly polar, at codon 388 of the ANXA11 protein (p.Arg388Trp). This variant is present in population databases (rs539605721, gnomAD 0.008%). This variant has not been reported in the literature in individuals affected with ANXA11-related conditions. ClinVar contains an entry for this variant (Variation ID: 1415559). An algorithm developed to predict the effect of missense changes on protein structure and function (PolyPhen-2) suggests that this variant is likely to be disruptive. In summary, the available evidence is currently insufficient to determine the role of this variant in disease. Therefore, it has been classified as a Variant of Uncertain Significance.

NM_145868.2(ANXA11):c.1162C>T (p.Arg388Trp)

Gene: ANXA11 (annexin A11; minus strand). Cytogenetic location: 10q22.3.
Variant type: single nucleotide variant.
Coding change: c.1162C>T on transcript NM_145868.2 (MANE Select); coding-DNA position 1162, C replaced by T.
Protein change: p.Arg388Trp; replaces arginine 388 with tryptophan.
Molecular consequence: missense variant.
Genome position (GRCh38, 1-based): chr10:80,161,953, G>A on the plus strand (C>T on the coding strand, the complement: ANXA11 is on the minus strand). VCF-style: chr10-80161953-G-A. GRCh37 (hg19) VCF-style: chr10-81921709-G-A.
Other names: c.1162C>T, p.Arg388Trp (NM_001157.3, NM_001278407.2, NM_001278408.2 and 1 more transcripts); c.1063C>T, p.Arg355Trp (NM_001278409.2); short protein forms R355W, R388W.
Identifiers: ClinVar variation 1415559 (VCV001415559.6), dbSNP rs539605721, ClinGen allele CA5575896.